The following is an entry in ClinVar:

NM_001374623.1(PNPLA1):c.1595+532G>C

Gene: PNPLA1 (patatin like phospholipase domain containing 1; plus strand). Cytogenetic location: 6p21.31.
Variant type: single nucleotide variant.
Coding change: c.1595+532G>C on transcript NM_001374623.1 (MANE Select); 532 bases into the intron after coding-DNA position 1595, G replaced by C.
Molecular consequence: intron variant. On other transcripts: 3 prime UTR variant (3).
Genome position (GRCh38, 1-based): chr6:36,308,244, G>C. VCF-style: chr6-36308244-G-C. GRCh37 (hg19) VCF-style: chr6-36276021-G-C.
Other names: c.*528G>C (NM_173676.2, NM_001145716.2, NM_001145717.1).
Identifiers: ClinVar variation 356582 (VCV000356582.5), dbSNP rs114437563, ClinGen allele CA10626769.

ClinVar aggregate classification (germline): Benign (1 of 4 stars; one submission).

Conditions:
Autosomal recessive congenital ichthyosis 10 (ARCI10). Identifiers: Orphanet 79394, MedGen C3554355, MONDO:0014011, OMIM 615024.

Allele frequency attached by ClinVar (database versions not stated): gnomAD 0.01107; 1000 Genomes Project 0.01118; 1000 Genomes Project 30x 0.01124; TOPMed 0.01269.

Submission:

Illumina Laboratory Services, Illumina
Classification: Benign for Autosomal recessive congenital ichthyosis 10. Last evaluated: 2018-01-12. Review status: criteria provided, single submitter. Criteria: ICSL Variant Classification Criteria 13 December 2019. Collection method: clinical testing. Allele origin: germline.
Comment: This variant was observed in the ICSL laboratory as part of a predisposition screen in an ostensibly healthy population. It had not been previously curated by ICSL or reported in the Human Gene Mutation Database (HGMD: prior to June 1st, 2018), and was therefore a candidate for classification through an automated scoring system. Utilizing variant allele frequency, disease prevalence and penetrance estimates, and inheritance mode, an automated score was calculated to assess if this variant is too frequent to cause the disease. Based on the score and internal cut-off values, a variant classified as benign is not then subjected to further curation. The score for this variant resulted in a classification of benign for this disease.